The following is an entry in ClinVar:

NM_006231.4(POLE):c.6068C>T (p.Thr2023Ile)

Gene: POLE (DNA polymerase epsilon, catalytic subunit; minus strand). Cytogenetic location: 12q24.33.
Variant type: single nucleotide variant.
Coding change: c.6068C>T on transcript NM_006231.4 (MANE Select); coding-DNA position 6068, C replaced by T.
Protein change: p.Thr2023Ile; replaces threonine 2023 with isoleucine.
Molecular consequence: missense variant.
Genome position (GRCh38, 1-based): chr12:132,632,732, G>A on the plus strand (C>T on the coding strand, the complement: POLE is on the minus strand). VCF-style: chr12-132632732-G-A. GRCh37 (hg19) VCF-style: chr12-133209318-G-A.
Other names: short protein forms T2023I.
Identifiers: ClinVar variation 240583 (VCV000240583.16), dbSNP rs771628123, ClinGen allele CA10582972.

ClinVar aggregate classification (germline): Uncertain significance. Review status: criteria provided, multiple submitters, no conflicts (2 of 4 stars). 6 submissions from 6 submitters: Uncertain significance (6). Last evaluated 2025-11-10.

Conditions:
Hereditary cancer-predisposing syndrome. Also called: Hereditary Cancer Syndrome; Tumor predisposition; Hereditary neoplastic syndrome; Neoplastic Syndromes, Hereditary. Identifiers: Orphanet 140162, MedGen C0027672, MeSH D009386, MONDO:0015356.

Allele frequency attached by ClinVar (database versions not stated): TOPMed 0.00002; gnomAD 0.00003.
gnomAD v4.1: 53 of 1,613,466 alleles (0.0033%); highest among the groups gnomAD compares: Non-Finnish European, 0.0044%; no homozygotes.

Submissions (6):

Labcorp Genetics (formerly Invitae), Labcorp
Classification: Uncertain significance. Last evaluated: 2025-11-10. Review status: criteria provided, single submitter. Criteria: Invitae Variant Classification Sherloc (09022015). Collection method: clinical testing. Allele origin: germline.
Comment: This sequence change replaces threonine, which is neutral and polar, with isoleucine, which is neutral and non-polar, at codon 2023 of the POLE protein (p.Thr2023Ile). This variant is present in population databases (no rsID available, gnomAD 0.003%). This variant has not been reported in the literature in individuals affected with POLE-related conditions. ClinVar contains an entry for this variant (Variation ID: 240583). An algorithm developed to predict the effect of missense changes on protein structure and function (PolyPhen-2) suggests that this variant is likely to be disruptive. In summary, the available evidence is currently insufficient to determine the role of this variant in disease. Therefore, it has been classified as a Variant of Uncertain Significance.

Ambry Genetics
Classification: Uncertain significance for Hereditary cancer-predisposing syndrome. Last evaluated: 2024-12-29. Review status: criteria provided, single submitter. Criteria: Ambry Variant Classification Scheme 2023. Collection method: clinical testing. Allele origin: germline.
Comment: The p.T2023I variant (also known as c.6068C>T), located in coding exon 44 of the POLE gene, results from a C to T substitution at nucleotide position 6068. The threonine at codon 2023 is replaced by isoleucine, an amino acid with similar properties. This amino acid position is highly conserved in available vertebrate species. In addition, the in silico prediction for this alteration is inconclusive. Based on the available evidence, the clinical significance of this variant remains unclear.

Blueprint Genetics
Classification: Uncertain significance. Last evaluated: 2024-11-07. Review status: criteria provided, single submitter. Criteria: ACMG Guidelines, 2015. Collection method: clinical testing. Allele origin: germline.

GeneDx
Classification: Uncertain significance. Last evaluated: 2023-01-18. Review status: criteria provided, single submitter. Criteria: GeneDx Variant Classification Process June 2021. Collection method: clinical testing. Allele origin: germline. Affected: yes.
Comment: Not observed at significant frequency in large population cohorts (gnomAD); In silico analysis, which includes protein predictors and evolutionary conservation, supports a deleterious effect; Has not been previously published as pathogenic or benign to our knowledge

PreventionGenetics, part of Exact Sciences
Classification: Uncertain significance. Last evaluated: 2017-06-27. Review status: criteria provided, single submitter. Criteria: ACMG Guidelines, 2015. Collection method: clinical testing. Allele origin: germline.

Quest Diagnostics Nichols Institute San Juan Capistrano
Classification: Uncertain significance. Last evaluated: 2017-04-21. Review status: criteria provided, single submitter. Criteria: Quest Diagnostics criteria. Collection method: clinical testing. Allele origin: germline.